The following is an entry in ClinVar:

ClinVar aggregate classification (germline): Likely benign (0 of 4 stars; one submission).

Conditions:
TBX3-related disorder. Also called: TBX3-related condition.

Allele frequency attached by ClinVar (database versions not stated): gnomAD exomes below 0.00001; TOPMed below 0.00001; gnomAD 0.00001.

Submission:

PreventionGenetics, part of Exact Sciences
Classification: Likely benign for TBX3-related condition. Last evaluated: 2021-03-02. Review status: no assertion criteria provided. Collection method: clinical testing. Allele origin: germline.
Comment: This variant is classified as likely benign based on ACMG/AMP sequence variant interpretation guidelines (Richards et al. 2015 PMID: 25741868, with internal and published modifications).

NM_005996.4(TBX3):c.2037C>G (p.Leu679=)

Gene: TBX3 (T-box transcription factor 3; minus strand). Cytogenetic location: 12q24.21.
Variant type: single nucleotide variant.
Coding change: c.2037C>G on transcript NM_005996.4 (MANE Select); coding-DNA position 2037, C replaced by G.
Protein change: p.Leu679=; no amino-acid change (leucine 679 retained).
Molecular consequence: synonymous variant.
Genome position (GRCh38, 1-based): chr12:114,671,976, G>C on the plus strand (C>G on the coding strand, the complement: TBX3 is on the minus strand). VCF-style: chr12-114671976-G-C. GRCh37 (hg19) VCF-style: chr12-115109781-G-C.
Other names: c.2097C>G, p.Leu699= (NM_016569.4).
Identifiers: ClinVar variation 3030815 (VCV003030815.2), dbSNP rs1043170739, ClinGen allele CA244141455.